The following is an entry in ClinVar:

NM_001042432.2(CLN3):c.436C>T (p.His146Tyr)

Gene: CLN3 (CLN3 lysosomal/endosomal transmembrane protein, battenin; minus strand). Cytogenetic location: 16p12.1.
Variant type: single nucleotide variant.
Coding change: c.436C>T on transcript NM_001042432.2 (MANE Select); coding-DNA position 436, C replaced by T.
Protein change: p.His146Tyr; replaces histidine 146 with tyrosine.
Molecular consequence: missense variant.
Genome position (GRCh38, 1-based): chr16:28,487,480, G>A on the plus strand (C>T on the coding strand, the complement: CLN3 is on the minus strand). VCF-style: chr16-28487480-G-A. GRCh37 (hg19) VCF-style: chr16-28498801-G-A.
Other names: c.436C>T, p.His146Tyr (NM_000086.2); c.364C>T, p.His122Tyr (NM_001286104.2); c.136C>T, p.His46Tyr (NM_001286105.2); c.202C>T, p.His68Tyr (NM_001286109.2); c.274C>T, p.His92Tyr (NM_001286110.2); short protein forms H146Y, H122Y, H46Y, H92Y, H68Y.
Identifiers: ClinVar variation 318724 (VCV000318724.10), dbSNP rs371590088, ClinGen allele CA7980929.
Genomic context (GRCh38, chr16:28,487,480, plus strand): 5'-CGGGGCTCCCCATCTGACACAGAACCACACACTCACCACACAGGCTGGTCCCCACAGAAT[G>A]AGAAAAGGCAACCAGGACGAAGCTTCCAGCAGCACAAATCCCACTGACGAGAACCCGGGG-3'
Protein context (NP_001035897.1, residues 136-156): AGSFVLVAFS[His146Tyr]SVGTSLCGVV

ClinVar aggregate classification (germline): Uncertain significance. Review status: criteria provided, multiple submitters, no conflicts (2 of 4 stars). 3 submissions from 3 submitters: Uncertain significance (3). Last evaluated 2021-09-05.

Conditions:
Neuronal ceroid lipofuscinosis. Also called: Neuronal Ceroid Lipofuscinoses. Identifiers: Orphanet 216, Orphanet 79263, MedGen C0027877, MONDO:0016295. Disease mechanism: loss of function.
Neuronal ceroid lipofuscinosis 3 (CLN3). Identifiers: Orphanet 228346, MedGen C0751383, MONDO:0008767, OMIM 204200.

Allele frequency attached by ClinVar (database versions not stated): gnomAD 0.00001; gnomAD exomes 0.00001 and 0.00002; ExAC 0.00002; TOPMed 0.00002; ESP Exome Variant Server 0.00008.
gnomAD v4.1: 35 of 1,613,856 alleles (0.0022%); highest among the groups gnomAD compares: Non-Finnish European, 0.0028%; no homozygotes.

Submissions (3):

Genome-Nilou Lab
Classification: Uncertain significance for Neuronal ceroid lipofuscinosis 3. Last evaluated: 2021-09-05. Review status: criteria provided, single submitter. Criteria: ACMG Guidelines, 2015. Collection method: clinical testing. Allele origin: germline. Affected: no.

Labcorp Genetics (formerly Invitae), Labcorp
Classification: Uncertain significance for Neuronal ceroid lipofuscinosis. Last evaluated: 2021-08-28. Review status: criteria provided, single submitter. Criteria: Invitae Variant Classification Sherloc (09022015). Collection method: clinical testing. Allele origin: germline.
Comment: This sequence change replaces histidine with tyrosine at codon 146 of the CLN3 protein (p.His146Tyr). The histidine residue is weakly conserved and there is a moderate physicochemical difference between histidine and tyrosine. This variant is present in population databases (rs371590088, ExAC 0.003%). This variant has not been reported in the literature in individuals affected with CLN3-related conditions. ClinVar contains an entry for this variant (Variation ID: 318724). Algorithms developed to predict the effect of missense changes on protein structure and function are either unavailable or do not agree on the potential impact of this missense change (SIFT: "Tolerated"; PolyPhen-2: "Possibly Damaging"; Align-GVGD: "Class C0"). In summary, the available evidence is currently insufficient to determine the role of this variant in disease. Therefore, it has been classified as a Variant of Uncertain Significance.

Illumina Laboratory Services, Illumina
Classification: Uncertain significance for Neuronal ceroid lipofuscinosis 3. Last evaluated: 2018-01-13. Review status: criteria provided, single submitter. Criteria: ICSL Variant Classification Criteria 13 December 2019. Collection method: clinical testing. Allele origin: germline.